The following is an entry in ClinVar:

NM_152564.5(VPS13B):c.4777C>A (p.Pro1593Thr)

Gene: VPS13B (vacuolar protein sorting 13 homolog B; plus strand). Cytogenetic location: 8q22.2.
Variant type: single nucleotide variant.
Coding change: c.4777C>A on transcript NM_152564.5 (MANE Select); coding-DNA position 4777, C replaced by A.
Protein change: p.Pro1593Thr; replaces proline 1593 with threonine.
Molecular consequence: missense variant.
Genome position (GRCh38, 1-based): chr8:99,556,481, C>A. VCF-style: chr8-99556481-C-A. GRCh37 (hg19) VCF-style: chr8-100568709-C-A.
Other names: c.4852C>A, p.Pro1618Thr (NM_017890.5); c.4852C>A (NM_017890.3); short protein forms P1618T, P1593T.
Identifiers: ClinVar variation 1448882 (VCV001448882.7), dbSNP rs954564707, ClinGen allele CA182994121.

ClinVar aggregate classification (germline): Uncertain significance. Review status: criteria provided, multiple submitters, no conflicts (2 of 4 stars). 3 submissions from 3 submitters: Uncertain significance (3). Last evaluated 2024-11-13.

Conditions:
Cohen syndrome (COH1). Also called: Cutis verticis gyrata, retinitis pigmentosa, and sensorineural deafness; PEPPER SYNDROME. Identifiers: Orphanet 193, MedGen C0265223, MONDO:0008999, OMIM 216550.
Inborn genetic diseases. Identifiers: MedGen C0950123, MeSH D030342.

Allele frequency attached by ClinVar (database versions not stated): gnomAD 0.00001 and 0.00002; TOPMed 0.00002.
gnomAD v4.1: 4 of 1,612,852 alleles (0.00025%); highest among the groups gnomAD compares: African/African-American, 0.0053%; no homozygotes.

Submissions (3):

Ambry Genetics
Classification: Uncertain significance for Inborn genetic diseases. Last evaluated: 2024-11-13. Review status: criteria provided, single submitter. Criteria: Ambry Variant Classification Scheme 2023. Collection method: clinical testing. Allele origin: germline.

Labcorp Genetics (formerly Invitae), Labcorp
Classification: Uncertain significance for Cohen syndrome. Last evaluated: 2024-03-04. Review status: criteria provided, single submitter. Criteria: Invitae Variant Classification Sherloc (09022015). Collection method: clinical testing. Allele origin: germline.
Comment: This sequence change replaces proline, which is neutral and non-polar, with threonine, which is neutral and polar, at codon 1618 of the VPS13B protein (p.Pro1618Thr). This variant is present in population databases (no rsID available, gnomAD 0.03%). This variant has not been reported in the literature in individuals affected with VPS13B-related conditions. ClinVar contains an entry for this variant (Variation ID: 1448882). Advanced modeling of protein sequence and biophysical properties (such as structural, functional, and spatial information, amino acid conservation, physicochemical variation, residue mobility, and thermodynamic stability) performed at Invitae indicates that this missense variant is expected to disrupt VPS13B protein function with a positive predictive value of 80%. In summary, the available evidence is currently insufficient to determine the role of this variant in disease. Therefore, it has been classified as a Variant of Uncertain Significance.

GeneDx
Classification: Uncertain significance. Last evaluated: 2022-08-14. Review status: criteria provided, single submitter. Criteria: GeneDx Variant Classification Process June 2021. Collection method: clinical testing. Allele origin: germline. Affected: yes.
Comment: In silico analysis supports that this missense variant has a deleterious effect on protein structure/function; Has not been previously published as pathogenic or benign to our knowledge